The following is an entry in ClinVar:

ClinVar aggregate classification (germline): Benign/Likely benign. Review status: criteria provided, multiple submitters, no conflicts (2 of 4 stars). 8 submissions from 6 submitters: Benign (3); Likely benign (5). Last evaluated 2026-09-01.

Conditions:
Corticosterone methyloxidase type 2 deficiency. Also called: 18-OXIDASE DEFICIENCY; ALDOSTERONE DEFICIENCY DUE TO DEFICIENCY OF STEROID 18-OXIDASE; ALDOSTERONE DEFICIENCY II; CMO II DEFICIENCY; STEROID 18-OXIDASE DEFICIENCY. Identifiers: Orphanet 427, MedGen C3463917, MONDO:0012524, OMIM 610600. Disease mechanism: loss of function.
Corticosterone 18-monooxygenase deficiency. Also called: ALDOSTERONE DEFICIENCY DUE TO DEFECT IN STEROID 18-HYDROXYLASE; ALDOSTERONE DEFICIENCY I; CMO I DEFICIENCY; STEROID 18-HYDROXYLASE DEFICIENCY; 18 Hydroxylase deficiency; Aldosterone deficiency due to defect in 18 hydroxylase. Identifiers: Orphanet 427, MedGen C0268293, MONDO:0008751, OMIM 203400. Disease mechanism: loss of function.
Glucocorticoid-remediable aldosteronism. Also called: Hyperaldosteronism, familial, type I; FH I; GLUCOCORTICOID-SUPPRESSIBLE HYPERALDOSTERONISM; ACTH-DEPENDENT HYPERALDOSTERONISM SYNDROME; ALDOSTERONISM, SENSITIVE TO DEXAMETHASONE. Identifiers: Orphanet 403, MedGen C3838731, MONDO:0007080, OMIM 103900.

Allele frequency attached by ClinVar (database versions not stated): gnomAD exomes 0.00080 and 0.00231; ExAC 0.00322; 1000 Genomes Project 0.00719; 1000 Genomes Project 30x 0.00750; gnomAD 0.00829 and 0.00890; ESP Exome Variant Server 0.00830.
gnomAD v4.1: 2,466 of 1,612,758 alleles (0.15%); highest among the groups gnomAD compares: African/African-American, 2.9%; 44 homozygotes.

Submissions (8):

CeGaT Center for Human Genetics Tuebingen
Classification: Likely benign. Last evaluated: 2026-09-01. Review status: criteria provided, single submitter. Criteria: CeGaT Center For Human Genetics Tuebingen Variant Classification Criteria Version 2. Collection method: clinical testing. Allele origin: germline. Affected: yes. Observed: 2 variant alleles.
Comment: CYP11B2: BP4

Labcorp Genetics (formerly Invitae), Labcorp
Classification: Benign. Last evaluated: 2026-01-27. Review status: criteria provided, single submitter. Criteria: Invitae Variant Classification Sherloc (09022015). Collection method: clinical testing. Allele origin: germline.

Mayo Clinic Laboratories, Mayo Clinic
Classification: Benign. Last evaluated: 2024-12-03. Review status: criteria provided, single submitter. Criteria: ACMG Guidelines, 2015. Collection method: clinical testing. Allele origin: germline. Observed: 2 variant alleles.
Comment: BS1, BS2, BP4

Fulgent Genetics
Classification: Benign for Corticosterone 18-monooxygenase deficiency; Corticosterone methyloxidase type 2 deficiency. Last evaluated: 2021-07-01. Review status: criteria provided, single submitter. Criteria: ACMG Guidelines, 2015. Collection method: clinical testing. Allele origin: unknown.

Illumina Laboratory Services, Illumina
Classification: Likely benign for Corticosterone 18-monooxygenase deficiency. Last evaluated: 2017-04-27. Review status: criteria provided, single submitter. Criteria: ICSL Variant Classification Criteria 13 December 2019. Collection method: clinical testing. Allele origin: germline.
Comment: This variant was observed as part of a predisposition screen in an ostensibly healthy population. A literature search was performed for the gene, cDNA change, and amino acid change (where applicable). Publications were found based on this search. The evidence from the literature, in combination with allele frequency data from public databases where available, was sufficient to determine this variant is unlikely to cause disease. Therefore, this variant is classified as likely benign.

Illumina Laboratory Services, Illumina
Classification: Likely benign for Hyperaldosteronism, familial, type I. Last evaluated: 2017-04-27. Review status: criteria provided, single submitter. Criteria: ICSL Variant Classification Criteria 13 December 2019. Collection method: clinical testing. Allele origin: germline.
Comment: This variant was observed as part of a predisposition screen in an ostensibly healthy population. A literature search was performed for the gene, cDNA change, and amino acid change (where applicable). No publications were found based on this search. Allele frequency data from public databases allowed determination this variant is unlikely to cause disease. Therefore, this variant is classified as likely benign.

Illumina Laboratory Services, Illumina
Classification: Likely benign for Corticosterone methyloxidase type 2 deficiency. Last evaluated: 2017-04-27. Review status: criteria provided, single submitter. Criteria: ICSL Variant Classification Criteria 13 December 2019. Collection method: clinical testing. Allele origin: germline.
Comment: the same text as in the submission from Illumina Laboratory Services, Illumina above.

Breakthrough Genomics
Classification: Likely benign. Review status: criteria provided, single submitter. Criteria: ACMG Guidelines, 2015. Collection method: not provided. Allele origin: germline. Inheritance: Autosomal recessive inheritance. Affected: yes.

Literature cited by the submitters: PubMed 33438832 (cited by Mayo Clinic Laboratories, Mayo Clinic); PubMed 25102047 (cited by Illumina Laboratory Services, Illumina); PubMed 18710464 (cited by Illumina Laboratory Services, Illumina).

NM_000498.3(CYP11B2):c.842A>G (p.Asn281Ser)

Genes: CYP11B2 (cytochrome P450 family 11 subfamily B member 2; minus strand), LOC106799834 (CYP11B2 recombination region; plus strand). Cytogenetic location: 8q24.3.
Variant type: single nucleotide variant.
Coding change: c.842A>G on transcript NM_000498.3 (MANE Select); coding-DNA position 842, A replaced by G.
Protein change: p.Asn281Ser; replaces asparagine 281 with serine.
Molecular consequence: missense variant.
Genome position (GRCh38, 1-based): chr8:142,914,376, T>C on the plus strand (A>G on the coding strand, the complement: CYP11B2 is on the minus strand). VCF-style: chr8-142914376-T-C. GRCh37 (hg19) VCF-style: chr8-143995792-T-C.
Other names: short protein forms N281S.
Identifiers: ClinVar variation 362210 (VCV000362210.42), dbSNP rs4537, ClinGen allele CA4906055.
Genomic context (GRCh38, chr8:142,914,376, plus strand): 5'-AGTGACAGTTCCGCCTTCAACAGGAGCTCCGCCACGATGCCTGTGTAGTGTTGAGGGCGG[T>C]TGAAGGCCAGTTCCTGGTAGATTTTCTGGATACAGTTGTCACCTGTCCAGGGAGCAGGGG-3'
Protein context (NP_000489.3, residues 271-291): IQKIYQELAF[Asn281Ser]RPQHYTGIVA